The following is an entry in ClinVar:

ClinVar aggregate classification (germline): Conflicting classifications of pathogenicity. Review status: criteria provided, conflicting classifications (1 of 4 stars). 2 submissions from 2 submitters: Uncertain significance (1); Likely benign (1). Last evaluated 2022-08-03.

Conditions:
Hereditary cancer-predisposing syndrome. Also called: Neoplastic Syndromes, Hereditary; Tumor predisposition; Hereditary Cancer Syndrome; Hereditary neoplastic syndrome. Identifiers: Orphanet 140162, MedGen C0027672, MeSH D009386, MONDO:0015356.
Hereditary breast ovarian cancer syndrome. Also called: Hereditary breast and ovarian cancer; Hereditary breast and ovarian cancer syndrome (HBOC); BRCA1- and BRCA2-Associated Hereditary Breast and Ovarian Cancer; Breast and ovarian cancer; Hereditary breast and/or ovarian cancer syndrome; Hereditary breast and ovarian cancer syndrome. Identifiers: Orphanet 145, MedGen C0677776, MeSH D061325, MONDO:0003582. Disease mechanism: loss of function.

Submissions (2):

Labcorp Genetics (formerly Invitae), Labcorp
Classification: Uncertain significance for Hereditary breast ovarian cancer syndrome. Last evaluated: 2022-08-03. Review status: criteria provided, single submitter. Criteria: Invitae Variant Classification Sherloc (09022015). Collection method: clinical testing. Allele origin: germline.
Comment: In summary, the available evidence is currently insufficient to determine the role of this variant in disease. Therefore, it has been classified as a Variant of Uncertain Significance. Advanced modeling of protein sequence and biophysical properties (such as structural, functional, and spatial information, amino acid conservation, physicochemical variation, residue mobility, and thermodynamic stability) performed at Invitae indicates that this missense variant is not expected to disrupt BRCA2 protein function. This variant has not been reported in the literature in individuals affected with BRCA2-related conditions. This variant is not present in population databases (gnomAD no frequency). This sequence change replaces phenylalanine, which is neutral and non-polar, with leucine, which is neutral and non-polar, at codon 3060 of the BRCA2 protein (p.Phe3060Leu).

Ambry Genetics
Classification: Likely benign for Hereditary cancer-predisposing syndrome. Last evaluated: 2019-07-05. Review status: criteria provided, single submitter. Criteria: Ambry Variant Classification Scheme 2023. Collection method: clinical testing. Allele origin: germline.

NM_000059.4(BRCA2):c.9180T>G (p.Phe3060Leu)

Gene: BRCA2 (BRCA2 DNA repair associated; plus strand). Cytogenetic location: 13q13.1.
Variant type: single nucleotide variant.
Coding change: c.9180T>G on transcript NM_000059.4 (MANE Select); coding-DNA position 9180, T replaced by G.
Protein change: p.Phe3060Leu; replaces phenylalanine 3060 with leucine.
Molecular consequence: missense variant.
Genome position (GRCh38, 1-based): chr13:32,380,069, T>G. VCF-style: chr13-32380069-T-G. GRCh37 (hg19) VCF-style: chr13-32954206-T-G.
Other names: c.9084T>G, p.Phe3028Leu (NM_001406719.1); c.9129T>G, p.Phe3043Leu (NM_001406720.1); c.4248T>G, p.Phe1416Leu (NM_001406721.1); c.2763T>G, p.Phe921Leu (NM_001406722.1); short protein forms F3028L, F921L, F3060L, F1416L, F3043L.
Identifiers: ClinVar variation 1766087 (VCV001766087.7), dbSNP rs777390929, ClinGen allele CA387758066.